The following is an entry in ClinVar:

NM_001082486.2(ACD):c.865G>C (p.Glu289Gln)

Gene: ACD (ACD shelterin complex subunit and telomerase recruitment factor; minus strand). Cytogenetic location: 16q22.1.
Variant type: single nucleotide variant.
Coding change: c.865G>C on transcript NM_001082486.2 (MANE Select); coding-DNA position 865, G replaced by C.
Protein change: p.Glu289Gln; replaces glutamic acid 289 with glutamine.
Molecular consequence: missense variant.
Genome position (GRCh38, 1-based): chr16:67,658,327, C>G on the plus strand (G>C on the coding strand, the complement: ACD is on the minus strand). VCF-style: chr16-67658327-C-G. GRCh37 (hg19) VCF-style: chr16-67692230-C-G.
Other names: c.778G>C, p.Glu260Gln (NM_001410884.1); c.856G>C, p.Glu286Gln (NM_022914.3); short protein forms E260Q, E286Q, E289Q.
Identifiers: ClinVar variation 1798488 (VCV001798488.2), dbSNP rs2543599720, ClinGen allele CA396352948.

ClinVar aggregate classification (germline): Uncertain significance (1 of 4 stars; one submission).

Conditions:
Inborn genetic diseases. Identifiers: MedGen C0950123, MeSH D030342.

Submission:

Ambry Genetics
Classification: Uncertain significance for Inborn genetic diseases. Last evaluated: 2022-04-04. Review status: criteria provided, single submitter. Criteria: Ambry Variant Classification Scheme 2023. Collection method: clinical testing. Allele origin: germline.
Comment: The p.E375Q variant (also known as c.1123G>C), located in coding exon 10 of the ACD gene, results from a G to C substitution at nucleotide position 1123. The glutamic acid at codon 375 is replaced by glutamine, an amino acid with highly similar properties. This amino acid position is conserved. In addition, this alteration is predicted to be tolerated by in silico analysis. Since supporting evidence is limited at this time, the clinical significance of this alteration remains unclear.